The following is an entry in ClinVar:

NM_018406.7(MUC4):c.9615C>T (p.Asp3205=)

Gene: MUC4 (mucin 4, cell surface associated). Cytogenetic location: 3q29.
Variant type: single nucleotide variant.
Coding change: c.9615C>T on transcript NM_018406.7 (MANE Select); coding-DNA position 9615, C replaced by T.
Protein change: p.Asp3205=; no amino-acid change (aspartic acid 3205 retained).
Molecular consequence: synonymous variant. On other transcripts: intron variant (2).
Genome position (GRCh38, 1-based): chr3:195,781,965, G>A on the plus strand (C>T on the coding strand, the complement: MUC4 is on the minus strand). VCF-style: chr3-195781965-G-A. GRCh37 (hg19) VCF-style: chr3-195508836-G-A.
Other names: c.83-7660C>T (NM_138297.5); c.83-3510C>T (NM_004532.6).
Identifiers: ClinVar variation 4533790 (VCV004533790.6).

ClinVar aggregate classification (germline): Likely benign (1 of 4 stars; one submission).

Submission:

CeGaT Center for Human Genetics Tuebingen
Classification: Likely benign. Last evaluated: 2025-10-01. Review status: criteria provided, single submitter. Criteria: CeGaT Center For Human Genetics Tuebingen Variant Classification Criteria Version 2. Collection method: clinical testing. Allele origin: germline. Affected: yes. Observed: 1 variant allele.
Comment: MUC4: BP4, BP7